The following is an entry in ClinVar:

NM_000276.4(OCRL):c.2309_2312del (p.Asp770fs)

Gene: OCRL (OCRL inositol polyphosphate-5-phosphatase; plus strand). Cytogenetic location: Xq26.1.
Variant type: Microsatellite.
Coding change: c.2309_2312del on transcript NM_000276.4 (MANE Select); coding-DNA positions 2309 to 2312, 4 bases deleted (ATTG; older notation c.2309_2312delATTG).
Protein change: p.Asp770fs; shifts the reading frame from aspartic acid 770.
Molecular consequence: frameshift variant.
Genome position (GRCh38, 1-based): chrX:129,588,231-129,588,234, ATTG deleted; deleting any 4 consecutive bases within chrX:129,588,227-129,588,234 gives the same sequence; the c. name uses the placement nearest the transcript's 3' end. VCF-style (leftmost placement, unchanged base first): chrX-129588226-CATTG-C. GRCh37 (hg19) VCF-style: chrX-128722203-CATTG-C.
Other names: c.2309_2312del (NM_000276.3); c.2312_2315del, p.Asp771fs (NM_001318784.2); c.2285_2288del, p.Asp762fs (NM_001587.4); short protein forms D770fs, D771fs, D762fs.
Identifiers: ClinVar variation 2747800 (VCV002747800.4), dbSNP rs2521945685, ClinGen allele CA2695235887.

ClinVar aggregate classification (germline): Pathogenic. Review status: criteria provided, multiple submitters, no conflicts (2 of 4 stars). 2 submissions from 2 submitters: Pathogenic (2). Last evaluated 2024-04-29.

Conditions:
Lowe syndrome (OCRL). Also called: LOWE OCULOCEREBRORENAL SYNDROME; PHOSPHATIDYLINOSITOL 4,5-BISPHOSPHATE 5-PHOSPHATASE DEFICIENCY; Oculocerebrorenal Syndrome. Identifiers: Orphanet 534, MedGen C0028860, MONDO:0010645, OMIM 309000.

Submissions (2):

GeneDx
Classification: Pathogenic. Last evaluated: 2024-04-29. Review status: criteria provided, single submitter. Criteria: GeneDx Variant Classification Process June 2021. Collection method: clinical testing. Allele origin: germline. Affected: yes.
Comment: Frameshift variant predicted to result in protein truncation or nonsense mediated decay in a gene for which loss of function is a known mechanism of disease; Not observed at significant frequency in large population cohorts (gnomAD); This variant is associated with the following publications: (PMID: 33745830)

Labcorp Genetics (formerly Invitae), Labcorp
Classification: Pathogenic for Lowe syndrome. Last evaluated: 2023-08-07. Review status: criteria provided, single submitter. Criteria: Invitae Variant Classification Sherloc (09022015). Collection method: clinical testing. Allele origin: germline.
Comment: For these reasons, this variant has been classified as Pathogenic. This variant has not been reported in the literature in individuals affected with OCRL-related conditions. This variant is not present in population databases (gnomAD no frequency). This sequence change creates a premature translational stop signal (p.Asp770Valfs*54) in the OCRL gene. It is expected to result in an absent or disrupted protein product. Loss-of-function variants in OCRL are known to be pathogenic (PMID: 19390221, 21031565, 22381590).

Literature cited by the submitters: PubMed 19390221 (cited by Labcorp Genetics (formerly Invitae), Labcorp); PubMed 21031565 (cited by Labcorp Genetics (formerly Invitae), Labcorp); PubMed 22381590 (cited by Labcorp Genetics (formerly Invitae), Labcorp).